The following is an entry in ClinVar:

NM_002230.4(JUP):c.1563_1565dup (p.Ala522_Val523insAla)

Gene: JUP (junction plakoglobin; minus strand). Cytogenetic location: 17q21.2.
Variant type: Duplication.
Coding change: c.1563_1565dup on transcript NM_002230.4 (MANE Select); coding-DNA positions 1563 to 1565, 3 bases duplicated (AGC; older notation c.1563_1565dupAGC).
Protein change: p.Ala522_Val523insAla.
Molecular consequence: inframe insertion.
Genome position (GRCh38, 1-based): chr17:41,758,803-41,758,805, GCT duplicated on the plus strand (AGC on the coding strand, the reverse complement: JUP is on the minus strand); duplicating any 3 consecutive bases within chr17:41,758,803-41,758,807 gives the same sequence; the c. name uses the placement nearest the transcript's 3' end. VCF-style (leftmost placement, unchanged base first): chr17-41758802-C-CGCT. GRCh37 (hg19) VCF-style: chr17-39915054-C-CGCT.
Other names: c.1563_1565dup, p.Ala522_Val523insAla (NM_001352773.2, NM_001352774.2, NM_001352775.2 and 3 more transcripts); c.1563_1565dupAGC (NM_002230.2).
Identifiers: ClinVar variation 2056662 (VCV002056662.5), dbSNP rs1914316480, ClinGen allele CA983781376.

ClinVar aggregate classification (germline): Uncertain significance. Review status: criteria provided, multiple submitters, no conflicts (2 of 4 stars). 2 submissions from 2 submitters: Uncertain significance (2). Last evaluated 2025-09-24.

Conditions:
Cardiovascular phenotype. Identifiers: MedGen CN230736.
Naxos disease (NXD). Also called: KERATOSIS PALMOPLANTARIS WITH ARRHYTHMOGENIC CARDIOMYOPATHY; MAL DE NAXOS; PALMOPLANTAR KERATODERMA WITH ARRHYTHMOGENIC RIGHT VENTRICULAR CARDIOMYOPATHY AND WOOLLY HAIR; WOOLLY HAIR, PALMOPLANTAR KERATODERMA, AND CARDIAC ABNORMALITIES; CARDIOMYOPATHY, ARRHYTHMOGENIC RIGHT VENTRICULAR, WITH SKIN, HAIR, AND NAIL ABNORMALITIES. Identifiers: Orphanet 34217, MedGen C1832600, MONDO:0011017, OMIM 601214.
Arrhythmogenic right ventricular dysplasia 12. Also called: ARRHYTHMOGENIC RIGHT VENTRICULAR DYSPLASIA, FAMILIAL, 12. Identifiers: MedGen C1969081, MONDO:0012684, OMIM 611528.

Submissions (2):

Ambry Genetics
Classification: Uncertain significance for Cardiovascular phenotype. Last evaluated: 2025-09-24. Review status: criteria provided, single submitter. Criteria: Ambry Variant Classification Scheme 2023. Collection method: clinical testing. Allele origin: germline.
Comment: The c.1563_1565dupAGC variant (also known as p.A522dup), located in coding exon 8 of the JUP gene, results from an in-frame duplication of AGC at nucleotide positions 1563 to 1565. This results in the duplication of an extra residue between codons 522 and 523. This amino acid position is not well conserved in available vertebrate species. In addition, the in silico prediction for this variant is inconclusive (Choi Y et al. PLoS ONE. 2012; 7(10):e46688). Based on the available evidence, the clinical significance of this variant remains unclear.

Labcorp Genetics (formerly Invitae), Labcorp
Classification: Uncertain significance for Arrhythmogenic right ventricular dysplasia 12; Naxos disease. Last evaluated: 2024-04-30. Review status: criteria provided, single submitter. Criteria: Invitae Variant Classification Sherloc (09022015). Collection method: clinical testing. Allele origin: germline.
Comment: This variant, c.1563_1565dup, results in the insertion of 1 amino acid(s) of the JUP protein (p.Ala522dup), but otherwise preserves the integrity of the reading frame. This variant is not present in population databases (gnomAD no frequency). This variant has not been reported in the literature in individuals affected with JUP-related conditions. ClinVar contains an entry for this variant (Variation ID: 2056662). Experimental studies and prediction algorithms are not available or were not evaluated, and the functional significance of this variant is currently unknown. In summary, the available evidence is currently insufficient to determine the role of this variant in disease. Therefore, it has been classified as a Variant of Uncertain Significance.